The following is an entry in ClinVar:

NM_000051.4(ATM):c.759A>G (p.Glu253=)

Gene: ATM (ATM serine/threonine kinase; plus strand). Cytogenetic location: 11q22.3.
Variant type: single nucleotide variant.
Coding change: c.759A>G on transcript NM_000051.4 (MANE Select); coding-DNA position 759, A replaced by G.
Protein change: p.Glu253=; no amino-acid change (glutamic acid 253 retained).
Molecular consequence: synonymous variant.
Genome position (GRCh38, 1-based): chr11:108,244,884, A>G. VCF-style: chr11-108244884-A-G. GRCh37 (hg19) VCF-style: chr11-108115611-A-G.
Other names: c.759A>G, p.Glu253= (NM_001351834.2).
Identifiers: ClinVar variation 1137893 (VCV001137893.12), dbSNP rs2135239992, ClinGen allele CA476744706.

ClinVar aggregate classification (germline): Conflicting classifications of pathogenicity. Review status: criteria provided, conflicting classifications (1 of 4 stars). 2 submissions from 2 submitters: Uncertain significance (1); Likely benign (1). Last evaluated 2025-05-29.

Conditions:
Ataxia-telangiectasia syndrome (AT). Also called: ATAXIA-TELANGIECTASIA, COMPLEMENTATION GROUP A; Ataxia telangiectasia (A-T); Cerebello-oculocutaneous telangiectasia; Immunodeficiency with ataxia telangiectasia; ATAXIA-TELANGIECTASIA, FRESNO VARIANT; Ataxia-telangiectasia, complementation group D. Identifiers: Orphanet 100, MedGen C0004135, MONDO:0008840, OMIM 208900.
Hereditary cancer-predisposing syndrome. Also called: Neoplastic Syndromes, Hereditary; Hereditary neoplastic syndrome; Tumor predisposition; Hereditary Cancer Syndrome. Identifiers: Orphanet 140162, MedGen C0027672, MeSH D009386, MONDO:0015356.

Submissions (2):

Ambry Genetics
Classification: Uncertain significance for Hereditary cancer-predisposing syndrome. Last evaluated: 2025-05-29. Review status: criteria provided, single submitter. Criteria: Ambry Variant Classification Scheme 2023. Collection method: clinical testing. Allele origin: germline.
Comment: The c.759A>G variant (also known as p.E253E), located in coding exon 6 of the ATM gene, results from an A to G substitution at nucleotide position 759. This nucleotide substitution does not change the glutamic acid at codon 253. This nucleotide position is not well conserved in available vertebrate species. In silico splice site analysis for this alteration is inconclusive and direct evidence is insufficient at this time (Ambry internal data). Based on the available evidence, the clinical significance of this variant remains unclear.

Labcorp Genetics (formerly Invitae), Labcorp
Classification: Likely benign for Ataxia-telangiectasia syndrome. Last evaluated: 2024-08-13. Review status: criteria provided, single submitter. Criteria: Invitae Variant Classification Sherloc (09022015). Collection method: clinical testing. Allele origin: germline.